The following is an entry in ClinVar:

ClinVar aggregate classification (germline): Uncertain significance (1 of 4 stars; one submission).

Conditions:
Bethlem myopathy 1A. Also called: Bethlem myopathy 1; MYOPATHY, BENIGN CONGENITAL, WITH CONTRACTURES; Bethlem Muscular Dystrophy. Identifiers: Orphanet 610, MedGen CN029274, MONDO:0024530, OMIM 158810.

Submission:

Labcorp Genetics (formerly Invitae), Labcorp
Classification: Uncertain significance for Bethlem myopathy 1A. Last evaluated: 2024-11-12. Review status: criteria provided, single submitter. Criteria: Invitae Variant Classification Sherloc (09022015). Collection method: clinical testing. Allele origin: germline.
Comment: This sequence change replaces glycine, which is neutral and non-polar, with arginine, which is basic and polar, at codon 1800 of the COL6A3 protein (p.Gly1800Arg). This variant is not present in population databases (gnomAD no frequency). This variant has not been reported in the literature in individuals affected with COL6A3-related conditions. Invitae Evidence Modeling of protein sequence and biophysical properties (such as structural, functional, and spatial information, amino acid conservation, physicochemical variation, residue mobility, and thermodynamic stability) indicates that this missense variant is not expected to disrupt COL6A3 protein function with a negative predictive value of 80%. In summary, the available evidence is currently insufficient to determine the role of this variant in disease. Therefore, it has been classified as a Variant of Uncertain Significance.

NM_004369.4(COL6A3):c.5398G>C (p.Gly1800Arg)

Gene: COL6A3 (collagen type VI alpha 3 chain; minus strand). Cytogenetic location: 2q37.3.
Variant type: single nucleotide variant.
Coding change: c.5398G>C on transcript NM_004369.4 (MANE Select); coding-DNA position 5398, G replaced by C.
Protein change: p.Gly1800Arg; replaces glycine 1800 with arginine.
Molecular consequence: missense variant.
Genome position (GRCh38, 1-based): chr2:237,366,789, C>G on the plus strand (G>C on the coding strand, the complement: COL6A3 is on the minus strand). VCF-style: chr2-237366789-C-G. GRCh37 (hg19) VCF-style: chr2-238275432-C-G.
Other names: c.3577G>C, p.Gly1193Arg (NM_057166.5); c.4780G>C, p.Gly1594Arg (NM_057167.4); short protein forms G1193R, G1594R, G1800R.
Identifiers: ClinVar variation 3617947 (VCV003617947.2).
Genomic context (GRCh38, chr2:237,366,789, plus strand): 5'-TCGCATCATGCAAAGTTTCCAAAACTTGCTCGCTCAGTTCGGACAGCTCCTGGACGTTGC[C>G]CACGCGGAACGCTGTGGCGCTGTTGGACGCTATCTTTCCAACCTCCTCCGAGTCGATATT-3'
Protein context (NP_004360.2, residues 1790-1810): ASNSATAFRV[Gly1800Arg]NVQELSELSE